The following is an entry in ClinVar:

ClinVar aggregate classification (germline): Likely benign. Review status: criteria provided, multiple submitters, no conflicts (2 of 4 stars). 2 submissions from 2 submitters: Likely benign (2). Last evaluated 2018-01-12.

Conditions:
Histidinemia. Also called: Hyperhistidinemia; Deficiency of histidine ammonia-lyase; HAL DEFICIENCY; HIS DEFICIENCY; HISTIDASE DEFICIENCY; HISTIDINE AMMONIA-LYASE DEFICIENCY. Identifiers: Orphanet 2157, MedGen C0220992, MONDO:0009345, OMIM 235800, HP:0010906.

Allele frequency attached by ClinVar (database versions not stated): 1000 Genomes Project 0.01977; 1000 Genomes Project 30x 0.02014; TOPMed 0.02439.
gnomAD v4.1: 13,363 of 404,796 alleles (3.3%); highest among the groups gnomAD compares: Admixed American, 4.5%; 359 homozygotes.

Submissions (2):

Illumina Laboratory Services, Illumina
Classification: Likely benign for Histidinemia. Last evaluated: 2018-01-12. Review status: criteria provided, single submitter. Criteria: ICSL Variant Classification Criteria 13 December 2019. Collection method: clinical testing. Allele origin: germline.
Comment: This variant was observed in the ICSL laboratory as part of a predisposition screen in an ostensibly healthy population. It had not been previously curated by ICSL or reported in the Human Gene Mutation Database (HGMD: prior to June 1st, 2018), and was therefore a candidate for classification through an automated scoring system. Utilizing variant allele frequency, disease prevalence and penetrance estimates, and inheritance mode, an automated score was calculated to assess if this variant is too frequent to cause the disease. Based on the score and internal cut-off values, a variant classified as likely benign is not then subjected to further curation. The score for this variant resulted in a classification of likely benign for this disease.

Breakthrough Genomics
Classification: Likely benign. Review status: criteria provided, single submitter. Criteria: ACMG Guidelines, 2015. Collection method: not provided. Allele origin: germline. Inheritance: Autosomal recessive inheritance. Affected: yes.

NM_002108.4(HAL):c.-216A>C

Gene: HAL (histidine ammonia-lyase; minus strand). Cytogenetic location: 12q23.1.
Variant type: single nucleotide variant.
Coding change: c.-216A>C on transcript NM_002108.4 (MANE Select); 216 bases upstream of the start codon, A replaced by C.
Molecular consequence: 5 prime UTR variant.
Genome position (GRCh38, 1-based): chr12:95,996,212, T>G on the plus strand (A>C on the coding strand, the complement: HAL is on the minus strand). VCF-style: chr12-95996212-T-G. GRCh37 (hg19) VCF-style: chr12-96389990-T-G.
Other names: c.-773A>C (NM_001258333.2); c.-216A>C (NM_001258334.2).
Identifiers: ClinVar variation 310733 (VCV000310733.6), dbSNP rs118085647, ClinGen allele CA10643583.